The following is an entry in ClinVar:

ClinVar aggregate classification (germline): Conflicting classifications of pathogenicity. Review status: criteria provided, conflicting classifications (1 of 4 stars). 3 submissions from 3 submitters: Uncertain significance (1); Likely benign (2). Last evaluated 2024-08-21.

Conditions:
Hereditary cancer-predisposing syndrome. Also called: Hereditary Cancer Syndrome; Hereditary neoplastic syndrome; Neoplastic Syndromes, Hereditary; Tumor predisposition. Identifiers: Orphanet 140162, MedGen C0027672, MeSH D009386, MONDO:0015356.
Familial cancer of breast. Also called: hereditary breast carcinoma; BREAST CANCER, FAMILIAL; Hereditary breast cancer. Identifiers: Orphanet 227535, MedGen C0346153, MONDO:0016419, OMIM 114480. Disease mechanism: loss of function.
Fanconi anemia complementation group J. Also called: BRIP1-Related Fanconi Anemia. Identifiers: Orphanet 84, MedGen C1836860, MONDO:0012187, OMIM 609054.

Submissions (3):

Myriad Genetics, Inc.
Classification: Likely benign for Familial cancer of breast. Last evaluated: 2024-08-21. Review status: criteria provided, single submitter. Criteria: Myriad Autosomal Dominant, Autosomal Recessive and X-Linked Classification Criteria (2023). Collection method: clinical testing. Allele origin: unknown.
Comment: This variant is considered likely benign. This variant is intronic and is not expected to impact mRNA splicing.

Labcorp Genetics (formerly Invitae), Labcorp
Classification: Likely benign for Familial cancer of breast; Fanconi anemia complementation group J. Last evaluated: 2023-07-26. Review status: criteria provided, single submitter. Criteria: Invitae Variant Classification Sherloc (09022015). Collection method: clinical testing. Allele origin: germline.

Color Diagnostics, LLC DBA Color Health
Classification: Uncertain significance for Hereditary cancer-predisposing syndrome. Last evaluated: 2019-10-08. Review status: criteria provided, single submitter. Criteria: ACMG Guidelines, 2015. Collection method: clinical testing. Allele origin: germline.
Comment: This variant causes duplication of 1 nucleotide in intron 6 of the BRIP1 gene. To our knowledge, functional studies have not been performed for this variant. This variant has not been reported in individuals affected with hereditary cancer in the literature. This variant has not been identified in the general population by the Genome Aggregation Database (gnomAD). The available evidence is insufficient to determine the role of this variant in disease conclusively. Therefore, this variant is classified as a Variant of Uncertain Significance.

NM_032043.3(BRIP1):c.628-15dup

Gene: BRIP1 (BRCA1 interacting DNA helicase 1; minus strand). Cytogenetic location: 17q23.2.
Variant type: Duplication.
Coding change: c.628-15dup on transcript NM_032043.3 (MANE Select); 15 bases into the intron before coding-DNA position 628, one base duplicated (T; older notation c.628-15dupT).
Molecular consequence: intron variant.
Genome position (GRCh38, 1-based): chr17:61,808,770, A duplicated on the plus strand (T on the coding strand, the reverse complement: BRIP1 is on the minus strand); the first of 3 consecutive A bases (chr17:61,808,770-61,808,772); duplicating any one gives the same sequence. VCF-style (leftmost placement, unchanged base first): chr17-61808769-G-GA. GRCh37 (hg19) VCF-style: chr17-59886130-G-GA.
Identifiers: ClinVar variation 922555 (VCV000922555.7), dbSNP rs2078118670, ClinGen allele CA1139665798.
Genomic context (GRCh38, chr17:61,808,769, plus strand): 5'-TGTTTCCTTGTTTAGTAGAACAACAGCACCTAGAACAGTGGCCAGGGGGCTGTAAGAAAG[G>GA]AAAGAAACGATAACTAATATCTAAACTACCATAAAAAACGTTATCAAACCTCACATGGAA-3'